The following is an entry in ClinVar:

ClinVar aggregate classification (germline): Likely benign. Review status: criteria provided, multiple submitters, no conflicts (2 of 4 stars). 2 submissions from 2 submitters: Likely benign (2). Last evaluated 2025-03-17.

Conditions:
PCNT-related disorder. Also called: PCNT-related condition.

Allele frequency attached by ClinVar (database versions not stated): ESP Exome Variant Server 0.00015.
gnomAD v4.1: 26 of 1,614,132 alleles (0.0016%); highest among the groups gnomAD compares: Admixed American, 0.0033%; no homozygotes.

Submissions (2):

PreventionGenetics, part of Exact Sciences
Classification: Likely benign for PCNT-related condition. Last evaluated: 2025-03-17. Review status: criteria provided, single submitter. Criteria: ACMG Guidelines, 2015. Collection method: clinical testing. Allele origin: germline.
Comment: This variant is classified as likely benign based on ACMG/AMP sequence variant interpretation guidelines (Richards et al. 2015 PMID: 25741868, with internal and published modifications).

Labcorp Genetics (formerly Invitae), Labcorp
Classification: Likely benign. Last evaluated: 2023-08-22. Review status: criteria provided, single submitter. Criteria: Invitae Variant Classification Sherloc (09022015). Collection method: clinical testing. Allele origin: germline.

NM_006031.6(PCNT):c.144G>A (p.Ala48=)

Genes: PCNT (pericentrin; plus strand), LOC128092249 (uncharacterized LOC128092249; plus strand). Cytogenetic location: 21q22.3.
Variant type: single nucleotide variant.
Coding change: c.144G>A on transcript NM_006031.6 (MANE Select); coding-DNA position 144, G replaced by A.
Protein change: p.Ala48=; no amino-acid change (alanine 48 retained).
Molecular consequence: synonymous variant. On other transcripts: missense variant (1), 5 prime UTR variant (1).
Genome position (GRCh38, 1-based): chr21:46,326,466, G>A. VCF-style: chr21-46326466-G-A. GRCh37 (hg19) VCF-style: chr21-47746380-G-A.
Other names: c.179G>A, p.Arg60His (NM_001414902.1); c.-211G>A (NM_001315529.2); c.144G>A (NM_006031.5); short protein forms R60H.
Identifiers: ClinVar variation 2904440 (VCV002904440.4), dbSNP rs376166347, ClinGen allele CA10078154.
Genomic context (GRCh38, chr21:46,326,466, plus strand): 5'-AGGTGACAGTTCGCATTCGGAGAAAAAGACGGCGAAGAGGAAGGGCTCGGCTGTCGATGC[G>A]TCTGTCCAGGAGGAGAGTCCGGTAACCAAGGAGGACAGCGCACTCTGTGGAGGAGGGGAC-3'
Protein context (NP_006022.3, residues 38-58): TAKRKGSAVD[Ala48=]SVQEESPVTK